The following is an entry in ClinVar:

ClinVar aggregate classification (germline): Pathogenic (1 of 4 stars; one submission).

Conditions:
Duchenne muscular dystrophy (DMD). Also called: Duchenne Muscular Dystrophy (DMD); MUSCULAR DYSTROPHY, PSEUDOHYPERTROPHIC PROGRESSIVE, DUCHENNE TYPE. Identifiers: Orphanet 98896, MedGen C0013264, MONDO:0010679, OMIM 310200.

Submission:

Labcorp Genetics (formerly Invitae), Labcorp
Classification: Pathogenic for Duchenne muscular dystrophy. Last evaluated: 2021-08-27. Review status: criteria provided, single submitter. Criteria: Invitae Variant Classification Sherloc (09022015). Collection method: clinical testing. Allele origin: germline.
Comment: For these reasons, this variant has been classified as Pathogenic. A similar copy number variant has been observed in individuals with DMD-related conditions (PMID: 16917894, 17259292, 25482253, 33238405). This variant results in a copy number gain of the genomic region encompassing exon(s) 3 of the DMD gene. While the exact position of this variant cannot be determined from the data, sub-genic copy number gains are generally in tandem (PMID: 25640679). This variant is predicted to be in-frame, and likely preserves the integrity of the reading frame.

Literature cited by the submitters: PubMed 16917894; PubMed 17259292; PubMed 25482253; PubMed 33238405; PubMed 25640679.

NC_000023.10:g.(?_32867825)_(32867957_?)dup

Gene: DMD (dystrophin; minus strand). Cytogenetic location: Xp21.1.
Variant type: Duplication.
Identifiers: ClinVar variation 1459188 (VCV001459188.5).